The following is an entry in ClinVar:

NM_001267550.2(TTN):c.98069C>T (p.Pro32690Leu)

Genes: TTN (titin; minus strand), TTN-AS1 (TTN antisense RNA 1; plus strand). Cytogenetic location: 2q31.2.
Variant type: single nucleotide variant.
Coding change: c.98069C>T on transcript NM_001267550.2 (MANE Select); coding-DNA position 98069, C replaced by T.
Protein change: p.Pro32690Leu; replaces proline 32690 with leucine.
Molecular consequence: missense variant.
Genome position (GRCh38, 1-based): chr2:178,540,097, G>A on the plus strand (C>T on the coding strand, the complement: TTN is on the minus strand). VCF-style: chr2-178540097-G-A. GRCh37 (hg19) VCF-style: chr2-179404824-G-A.
Other names: c.93146C>T, p.Pro31049Leu (NM_001256850.1); c.70874C>T, p.Pro23625Leu (NM_003319.4); c.90365C>T, p.Pro30122Leu (NM_133378.4); c.71249C>T, p.Pro23750Leu (NM_133432.3); c.71450C>T, p.Pro23817Leu (NM_133437.4); short protein forms P23625L, P23750L, P23817L, P30122L, P31049L, P32690L.
Identifiers: ClinVar variation 2438420 (VCV002438420.4), dbSNP rs1457945906, ClinGen allele CA349434968.

ClinVar aggregate classification (germline): Conflicting classifications of pathogenicity. Review status: criteria provided, conflicting classifications (1 of 4 stars). 2 submissions from 2 submitters: Uncertain significance (1); Likely benign (1). Last evaluated 2026-09-21.

Submissions (2):

Molecular Diagnostic Laboratory for Inherited Cardiovascular Disease, Montreal Heart Institute
Classification: Likely benign. Last evaluated: 2026-09-21. Review status: criteria provided, single submitter. Criteria: ACMG Guidelines, 2015. Collection method: clinical testing. Allele origin: germline. Affected: no.
Comment: BP1

Revvity Omics, Revvity
Classification: Uncertain significance. Last evaluated: 2022-12-09. Review status: criteria provided, single submitter. Criteria: ACMG Guidelines, 2015. Collection method: clinical testing. Allele origin: germline.